The following is an entry in ClinVar:

NM_000038.6(APC):c.7892C>T (p.Ser2631Phe)

Gene: APC (APC regulator of Wnt signaling pathway; plus strand). Cytogenetic location: 5q22.2.
Variant type: single nucleotide variant.
Coding change: c.7892C>T on transcript NM_000038.6 (MANE Select); coding-DNA position 7892, C replaced by T.
Protein change: p.Ser2631Phe; replaces serine 2631 with phenylalanine.
Molecular consequence: missense variant.
Genome position (GRCh38, 1-based): chr5:112,843,486, C>T. VCF-style: chr5-112843486-C-T. GRCh37 (hg19) VCF-style: chr5-112179183-C-T.
Other names: p.S2631F:TCC>TTC; c.7892C>T, p.Ser2631Phe (NM_001127510.3, NM_001354895.2); c.7838C>T, p.Ser2613Phe (NM_001127511.3); c.7946C>T, p.Ser2649Phe (NM_001354896.2); c.7922C>T, p.Ser2641Phe (NM_001354897.2); c.7817C>T, p.Ser2606Phe (NM_001354898.2); c.7808C>T, p.Ser2603Phe (NM_001354899.2); c.7769C>T, p.Ser2590Phe (NM_001354900.2); and 6 more; short protein forms S2613F, S2631F, S2530F, S2603F, S2606F, S2572F, S2505F, S2641F.
Identifiers: ClinVar variation 181828 (VCV000181828.54), dbSNP rs730881269, ClinGen allele CA014171.

ClinVar aggregate classification (germline): Uncertain significance. Review status: criteria provided, multiple submitters, no conflicts (2 of 4 stars). 8 submissions from 8 submitters: Uncertain significance (8). Last evaluated 2026-01-14.

Conditions:
Classic or attenuated familial adenomatous polyposis. Identifiers: MedGen CN372698, MONDO:0021057.
Hereditary cancer-predisposing syndrome. Also called: Tumor predisposition; Neoplastic Syndromes, Hereditary; Hereditary Cancer Syndrome; Hereditary neoplastic syndrome. Identifiers: Orphanet 140162, MedGen C0027672, MeSH D009386, MONDO:0015356.
Familial adenomatous polyposis 1 (FAP1). Also called: POLYPOSIS, ADENOMATOUS INTESTINAL; FAMILIAL ADENOMATOUS POLYPOSIS 1, ATTENUATED. Identifiers: MedGen C2713442, MONDO:0021056, OMIM 175100. Disease mechanism: loss of function.

Allele frequency attached by ClinVar (database versions not stated): gnomAD exomes below 0.00001 and 0.00001.
gnomAD v4.1: 6 of 1,613,966 alleles (0.00037%); highest among the groups gnomAD compares: Non-Finnish European, 0.00051%; no homozygotes.

Submissions (8):

Labcorp Genetics (formerly Invitae), Labcorp
Classification: Uncertain significance for Familial adenomatous polyposis 1. Last evaluated: 2026-01-14. Review status: criteria provided, single submitter. Criteria: Invitae Variant Classification Sherloc (09022015). Collection method: clinical testing. Allele origin: germline.
Comment: This sequence change replaces serine, which is neutral and polar, with phenylalanine, which is neutral and non-polar, at codon 2631 of the APC protein (p.Ser2631Phe). This variant is present in population databases (rs730881269, gnomAD 0.0009%). This variant has not been reported in the literature in individuals affected with APC-related conditions. ClinVar contains an entry for this variant (Variation ID: 181828). Invitae Evidence Modeling of protein sequence and biophysical properties (such as structural, functional, and spatial information, amino acid conservation, physicochemical variation, residue mobility, and thermodynamic stability) indicates that this missense variant is not expected to disrupt APC protein function with a negative predictive value of 95%. In summary, the available evidence is currently insufficient to determine the role of this variant in disease. Therefore, it has been classified as a Variant of Uncertain Significance.

Ambry Genetics
Classification: Uncertain significance for Hereditary cancer-predisposing syndrome. Last evaluated: 2025-10-03. Review status: criteria provided, single submitter. Criteria: Ambry Variant Classification Scheme 2023. Collection method: clinical testing. Allele origin: germline.
Comment: The p.S2631F variant (also known as c.7892C>T), located in coding exon 15 of the APC gene, results from a C to T substitution at nucleotide position 7892. The serine at codon 2631 is replaced by phenylalanine, an amino acid with highly dissimilar properties. This amino acid position is well conserved in available vertebrate species. In addition, in silico predictors for this gene do not accurately predict pathogenicity. Since supporting evidence is limited at this time, the clinical significance of this alteration remains unclear.

Color Diagnostics, LLC DBA Color Health
Classification: Uncertain significance for Hereditary cancer-predisposing syndrome. Last evaluated: 2024-12-11. Review status: criteria provided, single submitter. Criteria: ACMG Guidelines, 2015. Collection method: clinical testing. Allele origin: germline.
Comment: This missense variant replaces serine with phenylalanine at codon 2631 of the APC protein. Computational prediction suggests that this variant may not impact protein structure and function (internally defined REVEL score threshold <= 0.5, PMID: 27666373). To our knowledge, functional studies have not been reported for this variant. This variant has not been reported in individuals affected with APC-related disorders in the literature. This variant has been identified in 1/250356 chromosomes in the general population by the Genome Aggregation Database (gnomAD). The available evidence is insufficient to determine the role of this variant in disease conclusively. Therefore, this variant is classified as a Variant of Uncertain Significance.

All of Us Research Program, National Institutes of Health
Classification: Uncertain significance for Classic or attenuated familial adenomatous polyposis. Last evaluated: 2024-08-06. Review status: criteria provided, single submitter. Criteria: ACMG Guidelines, 2015. Collection method: clinical testing. Allele origin: germline. Inheritance: Autosomal dominant inheritance. Observed: 2 variant alleles, 2 heterozygotes.
Comment: This missense variant replaces serine with phenylalanine at codon 2631 of the APC protein. Computational prediction suggests that this variant may not impact protein structure and function (internally defined REVEL score threshold <= 0.5, PMID: 27666373). To our knowledge, functional studies have not been reported for this variant. This variant has not been reported in individuals affected with APC-related disorders in the literature. This variant has been identified in 1/250356 chromosomes in the general population by the Genome Aggregation Database (gnomAD). The available evidence is insufficient to determine the role of this variant in disease conclusively. Therefore, this variant is classified as a Variant of Uncertain Significance.

This study involves interpretation of variants in research participants for the purpose of population health screening. Participant phenotype was not available at the time of variant classification. Additional details can be found in publication PMID: 35346344, PMCID: PMC8962531

Institute for Clinical Genetics, University Hospital TU Dresden, University Hospital TU Dresden
Classification: Uncertain significance. Last evaluated: 2021-11-03. Review status: criteria provided, single submitter. Criteria: ACMG Guidelines, 2015. Collection method: clinical testing. Allele origin: germline.

CeGaT Center for Human Genetics Tuebingen
Classification: Uncertain significance. Last evaluated: 2021-09-01. Review status: criteria provided, single submitter. Criteria: CeGaT Center For Human Genetics Tuebingen Variant Classification Criteria Version 2. Collection method: clinical testing. Allele origin: germline. Affected: yes. Observed: 1 variant allele.

Sema4
Classification: Uncertain significance for Hereditary cancer-predisposing syndrome. Last evaluated: 2021-04-23. Review status: criteria provided, single submitter. Criteria: Sema4 Curation Guidelines. Collection method: curation. Allele origin: germline.
Comment: To the best of our knowledge, the APC c.7892C>T (p.S2631F) variant has not been reported in individuals with APC-related disease. It was observed in 1/113274 chromosomes of the Non-Finnish European subpopulation, with 0 homozygotes, in the large and broad cohorts of the Genome Aggregation Database. The variant has been reported in ClinVar (Variation ID 181828). In silico tools suggest the impact of the variant on protein function is inconclusive, though these predictions have not been confirmed by functional studies. The evidence is insufficient to meet ACMG/AMP criteria for classifying the variant as benign or pathogenic. Thus, the clinical significance of this variant is currently uncertain.

GeneDx
Classification: Uncertain significance. Last evaluated: 2015-11-04. Review status: criteria provided, single submitter. Criteria: GeneDx Variant Classification (06012015). Collection method: clinical testing. Allele origin: germline. Affected: yes.
Comment: This variant is denoted APC c.7892C>T at the cDNA level, p.Ser2631Phe (S2631F) at the protein level, and results in the change of a Serine to a Phenylalanine (TCC>TTC). While this variant has been published as a somatic alteration it has not, to our knowledge, been published in the literature as either a germline pathogenic variant or a benign polymorphism (Minde 2011). APC Ser2631Phe was not observed in approximately 6,500 individuals of European and African American ancestry in the NHLBI Exome Sequencing Project, indicating it is not a common benign variant in these populations. Since Serine and Phenylalanine differ in polarity, charge, size or other properties, this is considered a non-conservative amino acid substitution. APC Ser2631Phe occurs at a position that conserved through species and is located within the EB1 binding domain (Azzopardi 2008). In silico analyses predict that this variant is probably damaging to protein structure and function. Based on currently available information, it is unclear whether APC Ser2631Phe is pathogenic or benign. We consider it to be a variant of uncertain significance.